The following is an entry in ClinVar:

NM_017514.5(PLXNA3):c.3324G>C (p.Val1108=)

Gene: PLXNA3 (plexin A3; plus strand). Cytogenetic location: Xq28.
Variant type: single nucleotide variant.
Coding change: c.3324G>C on transcript NM_017514.5 (MANE Select); coding-DNA position 3324, G replaced by C.
Protein change: p.Val1108=; no amino-acid change (valine 1108 retained).
Molecular consequence: synonymous variant.
Genome position (GRCh38, 1-based): chrX:154,467,354, G>C. VCF-style: chrX-154467354-G-C. GRCh37 (hg19) VCF-style: chrX-153695697-G-C.
Identifiers: ClinVar variation 3348360 (VCV003348360.1).
Genomic context (GRCh38, chrX:154,467,354, plus strand): 5'-GCCCCAGCCTCGGGCGCAAGGCGAGCACCCTGATGAGTTTGGCTTCCTGCTGGACCACGT[G>C]CAAACGGCCCGCTCCCTCAACCGCTCCTCCTTTACCTACTACCCTGATCCCAGCTTTGAG-3'
Protein context (NP_059984.3, residues 1098-1118): PDEFGFLLDH[Val1108=]QTARSLNRSS

ClinVar aggregate classification (germline): Likely benign (0 of 4 stars; one submission).

Conditions:
PLXNA3-related disorder. Also called: PLXNA3-related condition.

Submission:

PreventionGenetics, part of Exact Sciences
Classification: Likely benign for PLXNA3-related condition. Last evaluated: 2023-10-31. Review status: no assertion criteria provided. Collection method: clinical testing. Allele origin: germline.
Comment: This variant is classified as likely benign based on ACMG/AMP sequence variant interpretation guidelines (Richards et al. 2015 PMID: 25741868, with internal and published modifications).